The following is an entry in ClinVar:

NM_007294.4(BRCA1):c.5278-9T>G

Gene: BRCA1 (BRCA1 DNA repair associated; minus strand). Cytogenetic location: 17q21.31.
Variant type: single nucleotide variant.
Coding change: c.5278-9T>G on transcript NM_007294.4 (MANE Select); 9 bases into the intron before coding-DNA position 5278, T replaced by G.
Molecular consequence: intron variant.
Genome position (GRCh38, 1-based): chr17:43,051,126, A>C on the plus strand (T>G on the coding strand, the complement: BRCA1 is on the minus strand). VCF-style: chr17-43051126-A-C. GRCh37 (hg19) VCF-style: chr17-41203143-A-C.
Other names: c.1825-9T>G (NM_001408458.1, NM_001408461.1, NM_001408464.1 and 7 more transcripts); c.4387-9T>G (NM_001407967.1); c.4897-9T>G (NM_001407959.1); c.5011-9T>G (NM_001407931.1, NM_001407932.1, NM_001407928.1 and 4 more transcripts); c.5134-9T>G (NM_001407747.1, NM_001407745.1, NM_001407737.1 and 21 more transcripts); c.4894-9T>G (NM_001407962.1, NM_001407960.1); c.1465-9T>G (NM_001408512.1); c.1588-9T>G (NM_001408510.1); and 74 more.
Identifiers: ClinVar variation 865257 (VCV000865257.3), dbSNP rs2051216712, ClinGen allele CA916081065.
Genomic context (GRCh38, chr17:43,051,126, plus strand): 5'-TGGGCATGTTGGTGAAGGGCCCATAGCAACAGATTTCTAGCCCCCTGAAGATCTGGAAGA[A>C]GAGAGGAAGAGAGAGGGACAGGGGAATGGAGAGAAGGAAAATCTAGTTATAAAAGAATAT-3'

Conditions:
Breast-ovarian cancer, familial, susceptibility to, 1 (BROVCA1). Also called: BRCA1 Hereditary Breast and Ovarian Cancer; OVARIAN CANCER, SUSCEPTIBILITY TO. Identifiers: Orphanet 145, MedGen C2676676, MONDO:0011450, OMIM 604370. Disease mechanism: loss of function.

Submission:

Brotman Baty Institute, University of Washington
No classification provided (evidence only). Condition: Breast-ovarian cancer, familial 1. Review status: no classification provided. Collection method: in vitro. Allele origin: not applicable. Functional consequence: functionally_normal.
ClinVar note: "not provided" was previously submitted as the classification for the variant. However, the classification appeared to be based only on an observation of functional data so it was converted to no classification on 2025-07-30.